The following is an entry in ClinVar:

ClinVar aggregate classification (germline): Likely pathogenic (1 of 4 stars; one submission).

Conditions:
Congenital microvillous atrophy (DIAR2). Also called: MICROVILLUS ATROPHY, CONGENITAL; Diarrhea 2 with microvillus atrophy, with or without cholestasis; CONGENITAL FAMILIAL PROTRACTED DIARRHEA WITH ENTEROCYTE BRUSH-BORDER ABNORMALITIES; Microvillus inclusion disease; DAVIDSON DISEASE. Identifiers: Orphanet 2290, MedGen C0341306, MONDO:0009635, OMIM 251850.
Cholestasis, progressive familial intrahepatic, 10 (PFIC10). Identifiers: MedGen C5676981, MONDO:0030810, OMIM 619868.

Submission:

Juno Genomics, Hangzhou Juno Genomics, Inc
Classification: Likely pathogenic for Cholestasis, progressive familial intrahepatic, 10; Congenital microvillous atrophy. Review status: criteria provided, single submitter. Criteria: ACMG Guidelines, 2015. Collection method: clinical testing. Allele origin: germline.
Comment: Absent from controls (or at extremely low frequency if recessive) in Genome Aggregation Database.;Null variant in a gene where loss of function (LOF) is a known mechanism of disease.;For recessive disorders, detected in trans with a pathogenic variant.;Patient's phenotype or family history is highly specific for a disease with a single genetic etiology.

NM_001080467.3(MYO5B):c.2572-2A>G

Gene: MYO5B (myosin VB; minus strand). Cytogenetic location: 18q21.1.
Variant type: single nucleotide variant.
Coding change: c.2572-2A>G on transcript NM_001080467.3 (MANE Select); the canonical splice acceptor site of the intron before coding-DNA position 2572, A replaced by G.
Molecular consequence: splice acceptor variant.
Genome position (GRCh38, 1-based): chr18:49,902,835, T>C on the plus strand (A>G on the coding strand, the complement: MYO5B is on the minus strand). VCF-style: chr18-49902835-T-C. GRCh37 (hg19) VCF-style: chr18-47429205-T-C.
Identifiers: ClinVar variation 5007654 (VCV005007654.2).
Genomic context (GRCh38, chr18:49,902,835, plus strand): 5'-CGTGCCATCCAGCCCCGCACGTGCTTCTGGATGGTGGTGGCCTTGTGCTCCATGAGGACC[T>C]GGCGGGAAACAAGGATACACATCTTGTGGGTTTGCACTGCAGGACAGGAGTGAAGGAAGC-3'